The following is an entry in ClinVar:

NM_004360.5(CDH1):c.350A>T (p.Asn117Ile)

Gene: CDH1 (cadherin 1; plus strand). Cytogenetic location: 16q22.1.
Variant type: single nucleotide variant.
Coding change: c.350A>T on transcript NM_004360.5 (MANE Select); coding-DNA position 350, A replaced by T.
Protein change: p.Asn117Ile; replaces asparagine 117 with isoleucine.
Molecular consequence: missense variant. On other transcripts: 5 prime UTR variant (2).
Genome position (GRCh38, 1-based): chr16:68,801,856, A>T. VCF-style: chr16-68801856-A-T. GRCh37 (hg19) VCF-style: chr16-68835759-A-T.
Other names: c.350A>T, p.Asn117Ile (NM_001317184.2); c.-1266A>T (NM_001317185.2); c.-1470A>T (NM_001317186.2); short protein forms N117I.
Identifiers: ClinVar variation 629917 (VCV000629917.14), dbSNP rs758733846, ClinGen allele CA8129829.

ClinVar aggregate classification (germline): Uncertain significance. Review status: criteria provided, multiple submitters, no conflicts (2 of 4 stars). 3 submissions from 3 submitters: Uncertain significance (3). Last evaluated 2026-07-27.

Conditions:
Hereditary diffuse gastric adenocarcinoma (HDGC). Also called: DIFFUSE GASTRIC AND LOBULAR BREAST CANCER SYNDROME. Identifiers: Orphanet 26106, MedGen C1708349, MONDO:0007648, OMIM 137215.
Hereditary cancer-predisposing syndrome. Also called: Neoplastic Syndromes, Hereditary; Hereditary Cancer Syndrome; Hereditary neoplastic syndrome; Tumor predisposition. Identifiers: Orphanet 140162, MedGen C0027672, MeSH D009386, MONDO:0015356.

Allele frequency attached by ClinVar (database versions not stated): gnomAD exomes below 0.00001; ExAC 0.00001.
gnomAD v4.1: 1 of 1,614,182 alleles (0.000062%); no homozygotes.

Submissions (3):

Ambry Genetics
Classification: Uncertain significance for Hereditary cancer-predisposing syndrome. Last evaluated: 2026-07-27. Review status: criteria provided, single submitter. Criteria: Ambry Variant Classification Scheme 2023. Collection method: clinical testing. Allele origin: germline.
Comment: The p.N117I variant (also known as c.350A>T), located in coding exon 3 of the CDH1 gene, results from an A to T substitution at nucleotide position 350. The asparagine at codon 117 is replaced by isoleucine, an amino acid with dissimilar properties. This amino acid position is poorly conserved in available vertebrate species. In addition, this alteration is predicted to be tolerated by in silico analysis. Based on the available evidence, the clinical significance of this variant remains unclear.

Labcorp Genetics (formerly Invitae), Labcorp
Classification: Uncertain significance for Hereditary diffuse gastric adenocarcinoma. Last evaluated: 2023-03-21. Review status: criteria provided, single submitter. Criteria: Invitae Variant Classification Sherloc (09022015). Collection method: clinical testing. Allele origin: germline.
Comment: This sequence change replaces asparagine, which is neutral and polar, with isoleucine, which is neutral and non-polar, at codon 117 of the CDH1 protein (p.Asn117Ile). This variant is present in population databases (rs758733846, gnomAD no frequency). This variant has not been reported in the literature in individuals affected with CDH1-related conditions. ClinVar contains an entry for this variant (Variation ID: 629917). An algorithm developed to predict the effect of missense changes on protein structure and function (PolyPhen-2) suggests that this variant is likely to be tolerated. In summary, the available evidence is currently insufficient to determine the role of this variant in disease. Therefore, it has been classified as a Variant of Uncertain Significance.

Color Diagnostics, LLC DBA Color Health
Classification: Uncertain significance for Hereditary cancer-predisposing syndrome. Last evaluated: 2018-11-22. Review status: criteria provided, single submitter. Criteria: ACMG Guidelines, 2015. Collection method: clinical testing. Allele origin: germline.